The following is an entry in ClinVar:

ClinVar aggregate classification (germline): Likely benign (1 of 4 stars; one submission).

Submission:

GeneDx
Classification: Likely benign. Last evaluated: 2018-06-16. Review status: criteria provided, single submitter. Criteria: GeneDx Variant Classification (06012015). Collection method: clinical testing. Allele origin: germline. Affected: yes.
Comment: This variant is considered likely benign or benign based on one or more of the following criteria: it is a conservative change, it occurs at a poorly conserved position in the protein, it is predicted to be benign by multiple in silico algorithms, and/or has population frequency not consistent with disease.

NM_020297.4(ABCC9):c.2238-270_2238-268del

Gene: ABCC9 (ATP binding cassette subfamily C member 9; minus strand). Cytogenetic location: 12p12.1.
Variant type: Microsatellite.
Coding change: c.2238-270_2238-268del on transcript NM_020297.4 (MANE Select); 270 bases into the intron before coding-DNA position 2238 through 268 bases into the intron before coding-DNA position 2238, 3 bases deleted (GTT; older notation c.2238-270_2238-268delGTT).
Molecular consequence: intron variant.
Genome position (GRCh38, 1-based): chr12:21,863,322-21,863,324, AAC deleted on the plus strand (GTT on the coding strand, the reverse complement: ABCC9 is on the minus strand); deleting any 3 consecutive bases within chr12:21,863,322-21,863,327 gives the same sequence; the c. name uses the placement nearest the transcript's 3' end. VCF-style (leftmost placement, unchanged base first): chr12-21863321-AAAC-A. GRCh37 (hg19) VCF-style: chr12-22016255-AAAC-A.
Other names: c.1374-273_1374-271del (NM_001377274.1); c.2238-270_2238-268del (NM_005691.4, NM_001377273.1).
Identifiers: ClinVar variation 673712 (VCV000673712.1), dbSNP rs549402973, ClinGen allele CA233606255.